The following is an entry in ClinVar:

ClinVar aggregate classification (germline): Benign/Likely benign. Review status: criteria provided, multiple submitters, no conflicts (2 of 4 stars). 4 submissions from 4 submitters: Benign (1); Likely benign (3). Last evaluated 2026-01-31.

Conditions:
Congenital hyperammonemia, type I. Also called: Carbamoyl phosphate synthetase 1 deficiency; Hyperammonemia due to carbamoyl phosphate synthetase 1 deficiency; CPS 1 deficiency; Carbamyl phosphate synthetase (CPS) deficiency; Carbamoyl phosphate synthetase I deficiency disease; Carbamoyl-phosphate synthase I deficiency. Identifiers: Orphanet 147, MedGen C4082171, MONDO:0009376, OMIM 237300.
Pulmonary hypertension, neonatal, susceptibility to (PHN). Identifiers: MedGen C3714958, MONDO:0014151, OMIM 615371.

Allele frequency attached by ClinVar (database versions not stated): ExAC 0.00113; 1000 Genomes Project 30x 0.00281; 1000 Genomes Project 0.00300; gnomAD 0.00362 and 0.00392; TOPMed 0.00419; ESP Exome Variant Server 0.00454.
gnomAD v4.1: 1,135 of 1,611,358 alleles (0.07%); highest among the groups gnomAD compares: African/African-American, 1.3%; 2 homozygotes.

Submissions (4):

Labcorp Genetics (formerly Invitae), Labcorp
Classification: Benign for Congenital hyperammonemia, type I. Last evaluated: 2026-01-31. Review status: criteria provided, single submitter. Criteria: Invitae Variant Classification Sherloc (09022015). Collection method: clinical testing. Allele origin: germline.

Fulgent Genetics
Classification: Likely benign for Congenital hyperammonemia, type I; Pulmonary hypertension, neonatal, susceptibility to. Last evaluated: 2021-09-27. Review status: criteria provided, single submitter. Criteria: ACMG Guidelines, 2015. Collection method: clinical testing. Allele origin: unknown.

GeneDx
Classification: Likely benign. Last evaluated: 2018-05-07. Review status: criteria provided, single submitter. Criteria: GeneDx Variant Classification Process June 2021. Collection method: clinical testing. Allele origin: germline. Affected: yes.

Center for Pediatric Genomic Medicine, Children's Mercy Hospital and Clinics
Classification: Likely benign. Last evaluated: 2015-05-21. Review status: criteria provided, single submitter. Criteria: ACMG Guidelines, 2015. Collection method: clinical testing. Allele origin: germline.
ClinVar note: Converted during submission from Likely Benign to Likely benign.

NM_001875.5(CPS1):c.1214C>A (p.Thr405Asn)

Gene: CPS1 (carbamoyl-phosphate synthase 1; plus strand). Cytogenetic location: 2q34.
Variant type: single nucleotide variant.
Coding change: c.1214C>A on transcript NM_001875.5 (MANE Select); coding-DNA position 1214, C replaced by A.
Protein change: p.Thr405Asn; replaces threonine 405 with asparagine.
Molecular consequence: missense variant. On other transcripts: non-coding transcript variant (2).
Genome position (GRCh38, 1-based): chr2:210,594,557, C>A. VCF-style: chr2-210594557-C-A. GRCh37 (hg19) VCF-style: chr2-211459281-C-A.
Other names: p.T411N:ACC>AAC; c.1214C>A (LRG_336t1); c.1214C>A, p.Thr405Asn (NM_001122633.3, NM_001369257.1); c.1247C>A, p.Thr416Asn (NM_001369256.1); short protein forms T405N, T416N.
Identifiers: ClinVar variation 203645 (VCV000203645.17), dbSNP rs138254425, ClinGen allele CA312383.
Genomic context (GRCh38, chr2:210,594,557, plus strand): 5'-TTTTTTTCTAGTACCTGTTTGATTCCTTTTTCTCACTGATAAAGAAAGGAAAAGCTACCA[C>A]CATTACATCAGTCTTACCGAAGCCAGCACTAGTTGCATCTCGGGTTGAGGTCAGTATGTG-3'
Protein context (NP_001866.2, residues 395-415): FSLIKKGKAT[Thr405Asn]ITSVLPKPAL